The following is an entry in ClinVar:

NM_000088.4(COL1A1):c.1958del (p.Gly653fs)

Gene: COL1A1 (collagen type I alpha 1 chain; minus strand). Cytogenetic location: 17q21.33.
Variant type: Deletion.
Coding change: c.1958del on transcript NM_000088.4 (MANE Select); coding-DNA position 1958, one base deleted (G; older notation c.1958delG).
Protein change: p.Gly653fs; shifts the reading frame from glycine 653.
Molecular consequence: frameshift variant.
Genome position (GRCh38, 1-based): chr17:50,192,500, C deleted on the plus strand (G on the coding strand, the reverse complement: COL1A1 is on the minus strand); the first of 2 consecutive C bases (chr17:50,192,500-50,192,501); deleting either gives the same sequence. VCF-style (leftmost placement, unchanged base first): chr17-50192499-AC-A. GRCh37 (hg19) VCF-style: chr17-48269860-AC-A.
Other names: short protein forms G653fs.
Identifiers: ClinVar variation 2743105 (VCV002743105.3), dbSNP rs2509205624, ClinGen allele CA2697560403.
Genomic context (GRCh38, chr17:50,192,499, plus strand): 5'-CATCTCCCACCCCTCTGGCCGGCTGCTCCCTCTTACCTGTTCACCAGGTTTGCCTGCTTC[AC>A]CTGGAGGACCAGCAGGACCAGGGAGACCCTGTAGGTGGGAAATGGGGGAAGAAGGGAGGG-3'

ClinVar aggregate classification (germline): Pathogenic (1 of 4 stars; one submission).

Conditions:
Osteogenesis imperfecta type I (OI1). Also called: Lobstein's Disease; Lobstein disease; OI, TYPE I; OSTEOGENESIS IMPERFECTA TARDA; OSTEOGENESIS IMPERFECTA WITH BLUE SCLERAE; Osteogenesis imperfecta type 1. Identifiers: Orphanet 216796, Orphanet 666, MedGen C0023931, MONDO:0008146, OMIM 166200. Disease mechanism: loss of function.

Submission:

Labcorp Genetics (formerly Invitae), Labcorp
Classification: Pathogenic for Osteogenesis imperfecta type I. Last evaluated: 2023-07-19. Review status: criteria provided, single submitter. Criteria: Invitae Variant Classification Sherloc (09022015). Collection method: clinical testing. Allele origin: germline.
Comment: This sequence change creates a premature translational stop signal (p.Gly653Valfs*113) in the COL1A1 gene. It is expected to result in an absent or disrupted protein product. Loss-of-function variants in COL1A1 are known to be pathogenic (PMID: 7942841, 9295084, 9443882). This variant is not present in population databases (gnomAD no frequency). This variant has not been reported in the literature in individuals affected with COL1A1-related conditions. For these reasons, this variant has been classified as Pathogenic.

Literature cited by the submitters: PubMed 7942841; PubMed 9295084; PubMed 9443882.